The following is an entry in ClinVar:

NM_002796.3(PSMB4):c.44dup (p.Pro16fs)

Gene: PSMB4 (proteasome 20S subunit beta 4; plus strand). Cytogenetic location: 1q21.3.
Variant type: Duplication.
Coding change: c.44dup on transcript NM_002796.3 (MANE Select); coding-DNA position 44, one base duplicated (G; older notation c.44dupG).
Protein change: p.Pro16fs; shifts the reading frame from proline 16.
Molecular consequence: frameshift variant.
Genome position (GRCh38, 1-based): chr1:151,399,631, G duplicated; the last of 6 consecutive G bases (chr1:151,399,626-151,399,631); duplicating any one gives the same sequence. VCF-style (leftmost placement, unchanged base first): chr1-151399625-C-CG. GRCh37 (hg19) VCF-style: chr1-151372101-C-CG.
Other names: short protein forms P16fs.
Identifiers: ClinVar variation 548957 (VCV000548957.10), dbSNP rs1235715459, ClinGen allele CA526286651.
Genomic context (GRCh38, chr1:151,399,625, plus strand): 5'-TTTTTTCTGCTACCGTGACTAAGATGGAAGCGTTTTTGGGGTCGCGGTCCGGACTTTGGG[C>CG]GGGGGGTCCGGCCCCAGGACAGTTTTACCGCATTCCGTCCACTCCCGATTCCTTCATGGA-3'

ClinVar aggregate classification (germline): Uncertain significance. Review status: criteria provided, single submitter (1 of 4 stars). 2 submissions from 2 submitters: Uncertain significance (1). 1 of the submissions does not count toward it. Last evaluated 2022-05-05.

Conditions:
Proteasome-associated autoinflammatory syndrome 3. Identifiers: MedGen C4747850, MONDO:0054699, OMIM 617591.

Submissions (2):

Labcorp Genetics (formerly Invitae), Labcorp
Classification: Uncertain significance. Last evaluated: 2022-05-05. Review status: criteria provided, single submitter. Criteria: Invitae Variant Classification Sherloc (09022015). Collection method: clinical testing. Allele origin: germline.
Comment: In summary, the available evidence is currently insufficient to determine the role of this variant in disease. Therefore, it has been classified as a Variant of Uncertain Significance. ClinVar contains an entry for this variant (Variation ID: 548957). This premature translational stop signal has been observed in individual(s) with clinical features of chronic atypical neutrophilic dermatosis with lipodystrophy and elevated temperature (CANDLE) syndrome (PMID: 26524591). This variant is present in population databases (no rsID available, gnomAD 0.006%). This sequence change creates a premature translational stop signal (p.Pro16Serfs*45) in the PSMB4 gene. It is expected to result in an absent or disrupted protein product. However, the current clinical and genetic evidence is not sufficient to establish whether loss-of-function variants in PSMB4 cause disease.

OMIM
Classification: Pathogenic for PROTEASOME-ASSOCIATED AUTOINFLAMMATION SYNDROME 3, DIGENIC (1 family). Last evaluated: 2018-07-23. Review status: no assertion criteria provided. Collection method: literature only. Allele origin: germline. Not counted in ClinVar's aggregate classification.

Literature cited by the submitters: PubMed 26524591 (cited by Labcorp Genetics (formerly Invitae), Labcorp and OMIM).